The following is an entry in ClinVar:

NM_000219.6(KCNE1):c.57G>C (p.Glu19Asp)

Gene: KCNE1 (potassium voltage-gated channel subfamily E regulatory subunit 1; minus strand). Cytogenetic location: 21q22.12.
Variant type: single nucleotide variant.
Coding change: c.57G>C on transcript NM_000219.6 (MANE Select); coding-DNA position 57, G replaced by C.
Protein change: p.Glu19Asp; replaces glutamic acid 19 with aspartic acid.
Molecular consequence: missense variant.
Genome position (GRCh38, 1-based): chr21:34,449,578, C>G on the plus strand (G>C on the coding strand, the complement: KCNE1 is on the minus strand). VCF-style: chr21-34449578-C-G. GRCh37 (hg19) VCF-style: chr21-35821876-C-G.
Other names: c.57G>C, p.Glu19Asp (NM_001127668.4, NM_001127669.4, NM_001127670.4 and 4 more transcripts); short protein forms E19D.
Identifiers: ClinVar variation 3373928 (VCV003373928.2).

Conditions:
Long QT syndrome 5 (LQT5). Identifiers: Orphanet 101016, Orphanet 768, MedGen C1867904, MONDO:0013372, OMIM 613695.

Submission:

Roden Lab, Vanderbilt University Medical Center
No classification provided (evidence only). Condition: Long QT syndrome 5. Review status: no classification provided. Collection method: in vitro. Allele origin: not applicable. Functional consequence: Effect on ion channel function.
ClinVar note: "not provided" was previously submitted as the classification for the variant. However, the classification appeared to be based only on an observation of functional data so it was converted to no classification on 2025-07-30.